The following is an entry in ClinVar:

NM_133459.4(CCBE1):c.811G>A (p.Gly271Ser)

Gene: CCBE1 (collagen and calcium binding EGF domains 1; minus strand). Cytogenetic location: 18q21.32.
Variant type: single nucleotide variant.
Coding change: c.811G>A on transcript NM_133459.4 (MANE Select); coding-DNA position 811, G replaced by A.
Protein change: p.Gly271Ser; replaces glycine 271 with serine.
Molecular consequence: missense variant.
Genome position (GRCh38, 1-based): chr18:59,439,781, C>T on the plus strand (G>A on the coding strand, the complement: CCBE1 is on the minus strand). VCF-style: chr18-59439781-C-T. GRCh37 (hg19) VCF-style: chr18-57107013-C-T.
Other names: short protein forms G271S.
Identifiers: ClinVar variation 1358651 (VCV001358651.7), dbSNP rs1379996037, ClinGen allele CA402595419.

ClinVar aggregate classification (germline): Uncertain significance (1 of 4 stars; one submission).

Allele frequency attached by ClinVar (database versions not stated): gnomAD exomes 0.00001.

Submission:

Labcorp Genetics (formerly Invitae), Labcorp
Classification: Uncertain significance. Last evaluated: 2025-05-19. Review status: criteria provided, single submitter. Criteria: Invitae Variant Classification Sherloc (09022015). Collection method: clinical testing. Allele origin: germline.
Comment: This sequence change replaces glycine, which is neutral and non-polar, with serine, which is neutral and polar, at codon 271 of the CCBE1 protein (p.Gly271Ser). This variant is present in population databases (no rsID available, gnomAD 0.006%). This variant has not been reported in the literature in individuals affected with CCBE1-related conditions. ClinVar contains an entry for this variant (Variation ID: 1358651). Invitae Evidence Modeling of protein sequence and biophysical properties (such as structural, functional, and spatial information, amino acid conservation, physicochemical variation, residue mobility, and thermodynamic stability) has been performed for this missense variant. However, the output from this modeling did not meet the statistical confidence thresholds required to predict the impact of this variant on CCBE1 protein function. In summary, the available evidence is currently insufficient to determine the role of this variant in disease. Therefore, it has been classified as a Variant of Uncertain Significance.